The following is an entry in ClinVar:

ClinVar aggregate classification (germline): Pathogenic. Review status: criteria provided, single submitter (1 of 4 stars). 2 submissions from 2 submitters: Pathogenic (1). 1 of the submissions does not count toward it. Last evaluated 2025-06-04.

Conditions:
Familial progressive retinal dystrophy-iris coloboma-congenital cataract syndrome. Also called: Retinal dystrophy and iris coloboma with or without congenital cataract. Identifiers: Orphanet 488197, MedGen C4225493, MONDO:0014747, OMIM 616722.

Submissions (2):

Labcorp Genetics (formerly Invitae), Labcorp
Classification: Pathogenic. Last evaluated: 2025-06-04. Review status: criteria provided, single submitter. Criteria: Invitae Variant Classification Sherloc (09022015). Collection method: clinical testing. Allele origin: germline.
Comment: This variant occurs in the MIR204 gene, which encodes an RNA molecule that does not result in a protein product. This variant is not present in population databases (gnomAD no frequency). This variant has been observed in individuals with retinal dystrophy and iris coloboma (PMID: 26056285; internal data). It has also been observed to segregate with disease in related individuals. ClinVar contains an entry for this variant (Variation ID: 218881). For these reasons, this variant has been classified as Pathogenic.

OMIM
Classification: Pathogenic for RETINAL DYSTROPHY AND IRIS COLOBOMA WITH OR WITHOUT CATARACT. Last evaluated: 2015-06-23. Review status: no assertion criteria provided. Collection method: literature only. Allele origin: germline. Not counted in ClinVar's aggregate classification.

Literature cited by the submitters: PubMed 26056285 (cited by Labcorp Genetics (formerly Invitae), Labcorp and OMIM); PubMed 37321975 (cited by OMIM).

NC_000009.12:g.70810048G>A

Genes: MIR204 (microRNA 204; minus strand), TRPM3 (transient receptor potential cation channel subfamily M member 3; minus strand). Cytogenetic location: 9q21.12.
Variant type: single nucleotide variant.
Molecular consequence: intron variant (on NM_001366145.2). On other transcripts: non-coding transcript variant (1).
Genome position: GRCh38 VCF-style: chr9-70810048-G-A. GRCh37 (hg19) VCF-style: chr9-73424964-G-A.
Other names: 37C-T; c.979+17799C>T (NM_001366143.2, NM_001366141.2, NM_001366142.2 and 1 more transcripts); c.973+17799C>T (NM_001366150.2, NM_001366151.2, NM_001007471.4 and 4 more transcripts); c.1048+1122C>T (NM_001366148.2, NM_001366152.2, NM_001366147.2); c.514+17799C>T (NM_206944.5, NM_020952.6, NM_206945.5 and 3 more transcripts); c.589+1122C>T (NM_206947.5, NM_206946.5, NM_001007470.3).
Identifiers: ClinVar variation 218881 (VCV000218881.8), dbSNP rs767146880, ClinGen allele CA214830.